The following is an entry in ClinVar:

ClinVar aggregate classification (germline): Conflicting classifications of pathogenicity. Review status: criteria provided, conflicting classifications (1 of 4 stars). 6 submissions from 6 submitters: Uncertain significance (2); Likely benign (3). 1 of the submissions does not count toward it. Last evaluated 2026-01-26.

Conditions:
PEX12-related disorder. Also called: PEX12-related condition; PEX12-related disorders.
Peroxisome biogenesis disorder 3A (Zellweger). Also called: PEROXISOMAL BIOGENESIS DISORDER 3A (ZELLWEGER); Peroxisome biogenesis disorder 3A. Identifiers: Orphanet 912, MedGen C3553929, MONDO:0013927, OMIM 614859.

Allele frequency attached by ClinVar (database versions not stated): 1000 Genomes Project 30x 0.00031; 1000 Genomes Project 0.00040; gnomAD 0.00101 and 0.00103; TOPMed 0.00120; ESP Exome Variant Server 0.00138; ExAC 0.00162; gnomAD exomes 0.00178.
gnomAD v4.1: 2,735 of 1,614,102 alleles (0.17%); highest among the groups gnomAD compares: Non-Finnish European, 0.21%; 10 homozygotes.

Submissions (6):

Labcorp Genetics (formerly Invitae), Labcorp
Classification: Likely benign for Peroxisome biogenesis disorder 3A (Zellweger). Last evaluated: 2026-01-26. Review status: criteria provided, single submitter. Criteria: Invitae Variant Classification Sherloc (09022015). Collection method: clinical testing. Allele origin: germline.

Blueprint Genetics
Classification: Likely benign. Last evaluated: 2024-10-17. Review status: criteria provided, single submitter. Criteria: ACMG Guidelines, 2015. Collection method: clinical testing. Allele origin: germline.

ARUP Laboratories, Molecular Genetics and Genomics, ARUP Laboratories
Classification: Likely benign. Last evaluated: 2023-11-22. Review status: criteria provided, single submitter. Criteria: ARUP Molecular Germline Variant Investigation Process 2024. Collection method: clinical testing. Allele origin: germline.

Illumina Laboratory Services, Illumina
Classification: Uncertain significance for Peroxisome biogenesis disorder 3A (Zellweger). Last evaluated: 2018-01-12. Review status: criteria provided, single submitter. Criteria: ICSL Variant Classification Criteria 13 December 2019. Collection method: clinical testing. Allele origin: germline.

Eurofins Ntd Llc (ga)
Classification: Uncertain significance. Last evaluated: 2017-09-13. Review status: criteria provided, single submitter. Criteria: EGL Classification Definitions 2015. Collection method: clinical testing. Allele origin: germline. Observed: 10 variant alleles, 10 heterozygotes.

PreventionGenetics, part of Exact Sciences
Classification: Likely benign for PEX12-related condition. Last evaluated: 2022-05-29. Review status: no assertion criteria provided. Collection method: clinical testing. Allele origin: germline. Not counted in ClinVar's aggregate classification.
Comment: This variant is classified as likely benign based on ACMG/AMP sequence variant interpretation guidelines (Richards et al. 2015 PMID: 25741868, with internal and published modifications).

NM_000286.3(PEX12):c.722G>T (p.Gly241Val)

Gene: PEX12 (peroxisomal biogenesis factor 12; minus strand). Cytogenetic location: 17q12.
Variant type: single nucleotide variant.
Coding change: c.722G>T on transcript NM_000286.3 (MANE Select); coding-DNA position 722, G replaced by T.
Protein change: p.Gly241Val; replaces glycine 241 with valine.
Molecular consequence: missense variant.
Genome position (GRCh38, 1-based): chr17:35,576,140, C>A on the plus strand (G>T on the coding strand, the complement: PEX12 is on the minus strand). VCF-style: chr17-35576140-C-A. GRCh37 (hg19) VCF-style: chr17-33903159-C-A.
Other names: short protein forms G241V.
Identifiers: ClinVar variation 287347 (VCV000287347.23), dbSNP rs139417458, ClinGen allele CA8504854.